The following is an entry in ClinVar:

NM_018163.3(DNAJC17):c.794G>T (p.Gly265Val)

Gene: DNAJC17 (DnaJ heat shock protein family (Hsp40) member C17; minus strand). Cytogenetic location: 15q15.1.
Variant type: single nucleotide variant.
Coding change: c.794G>T on transcript NM_018163.3 (MANE Select); coding-DNA position 794, G replaced by T.
Protein change: p.Gly265Val; replaces glycine 265 with valine.
Molecular consequence: missense variant.
Genome position (GRCh38, 1-based): chr15:40,768,061, C>A on the plus strand (G>T on the coding strand, the complement: DNAJC17 is on the minus strand). VCF-style: chr15-40768061-C-A. GRCh37 (hg19) VCF-style: chr15-41060259-C-A.
Other names: short protein forms G265V.
Identifiers: ClinVar variation 1970786 (VCV001970786.5), dbSNP rs763608506, ClinGen allele CA391756951.

ClinVar aggregate classification (germline): Uncertain significance (1 of 4 stars; one submission).

Allele frequency attached by ClinVar (database versions not stated): gnomAD exomes below 0.00001.

Submission:

Labcorp Genetics (formerly Invitae), Labcorp
Classification: Uncertain significance. Last evaluated: 2023-09-29. Review status: criteria provided, single submitter. Criteria: Invitae Variant Classification Sherloc (09022015). Collection method: clinical testing. Allele origin: germline.
Comment: This sequence change replaces glycine, which is neutral and non-polar, with valine, which is neutral and non-polar, at codon 265 of the DNAJC17 protein (p.Gly265Val). This variant is not present in population databases (gnomAD no frequency). This variant has not been reported in the literature in individuals affected with DNAJC17-related conditions. ClinVar contains an entry for this variant (Variation ID: 1970786). An algorithm developed to predict the effect of missense changes on protein structure and function (PolyPhen-2) suggests that this variant is likely to be tolerated. In summary, the available evidence is currently insufficient to determine the role of this variant in disease. Therefore, it has been classified as a Variant of Uncertain Significance.